The following is an entry in ClinVar:

ClinVar aggregate classification (germline): Likely pathogenic (1 of 4 stars; one submission).

Conditions:
Legius syndrome. Identifiers: Orphanet 137605, MedGen C1969623, MONDO:0012669, OMIM 611431. Disease mechanism: loss of function.

Allele frequency attached by ClinVar (database versions not stated): gnomAD 0.00001; gnomAD exomes 0.00001.
gnomAD v4.1: 7 of 1,613,650 alleles (0.00043%); highest among the groups gnomAD compares: African/African-American, 0.0013%; no homozygotes.

Submission:

Labcorp Genetics (formerly Invitae), Labcorp
Classification: Likely pathogenic for Legius syndrome. Last evaluated: 2022-11-30. Review status: criteria provided, single submitter. Criteria: Invitae Variant Classification Sherloc (09022015). Collection method: clinical testing. Allele origin: germline.
Comment: In summary, the currently available evidence indicates that the variant is pathogenic, but additional data are needed to prove that conclusively. Therefore, this variant has been classified as Likely Pathogenic. Algorithms developed to predict the effect of sequence changes on RNA splicing suggest that this variant may disrupt the consensus splice site. This variant has not been reported in the literature in individuals affected with SPRED1-related conditions. This variant is not present in population databases (gnomAD no frequency). This sequence change affects a donor splice site in intron 5 of the SPRED1 gene. It is expected to disrupt RNA splicing. Variants that disrupt the donor or acceptor splice site typically lead to a loss of protein function (PMID: 16199547), and loss-of-function variants in SPRED1 are known to be pathogenic (PMID: 17704776).

Literature cited by the submitters: PubMed 16199547; PubMed 17704776.

NM_152594.3(SPRED1):c.582+1G>T

Gene: SPRED1 (sprouty related EVH1 domain containing 1; plus strand). Cytogenetic location: 15q14.
Variant type: single nucleotide variant.
Coding change: c.582+1G>T on transcript NM_152594.3 (MANE Select); the canonical splice donor site of the intron after coding-DNA position 582, G replaced by T.
Molecular consequence: splice donor variant.
Genome position (GRCh38, 1-based): chr15:38,339,896, G>T. VCF-style: chr15-38339896-G-T. GRCh37 (hg19) VCF-style: chr15-38632097-G-T.
Identifiers: ClinVar variation 1902191 (VCV001902191.5), dbSNP rs1595756946, ClinGen allele CA391932753.